The following is an entry in ClinVar:

NM_005732.4(RAD50):c.2564A>C (p.Asp855Ala)

Gene: RAD50 (RAD50 double strand break repair protein; plus strand). Cytogenetic location: 5q31.1.
Variant type: single nucleotide variant.
Coding change: c.2564A>C on transcript NM_005732.4 (MANE Select); coding-DNA position 2564, A replaced by C.
Protein change: p.Asp855Ala; replaces aspartic acid 855 with alanine.
Molecular consequence: missense variant.
Genome position (GRCh38, 1-based): chr5:132,604,845, A>C. VCF-style: chr5-132604845-A-C. GRCh37 (hg19) VCF-style: chr5-131940537-A-C.
Other names: c.2564A>C (NM_005732.3); short protein forms D855A.
Identifiers: ClinVar variation 1384052 (VCV001384052.10), dbSNP rs751531030, ClinGen allele CA3405428.
Genomic context (GRCh38, chr5:132,604,845, plus strand): 5'-TGATAATATGTTTTTGTGTAGTTTCTAGTAAGATTGAATTGAATCGTAAGCTTATACAGG[A>C]CCAGCAGGAACAGATTCAACATCTAAAAAGTACAACAAATGAGCTAAAATCTGAGAAACT-3'
Protein context (NP_005723.2, residues 845-865): KIELNRKLIQ[Asp855Ala]QQEQIQHLKS

ClinVar aggregate classification (germline): Uncertain significance. Review status: criteria provided, multiple submitters, no conflicts (2 of 4 stars). 2 submissions from 2 submitters: Uncertain significance (2). Last evaluated 2025-08-30.

Conditions:
Hereditary cancer-predisposing syndrome. Also called: Tumor predisposition; Neoplastic Syndromes, Hereditary; Hereditary Cancer Syndrome; Hereditary neoplastic syndrome. Identifiers: Orphanet 140162, MedGen C0027672, MeSH D009386, MONDO:0015356.

Allele frequency attached by ClinVar (database versions not stated): ExAC 0.00001.
gnomAD v4.1: 2 of 1,613,380 alleles (0.00012%); highest among the groups gnomAD compares: Admixed American, 0.0033%; no homozygotes.

Submissions (2):

Ambry Genetics
Classification: Uncertain significance for Hereditary cancer-predisposing syndrome. Last evaluated: 2025-08-30. Review status: criteria provided, single submitter. Criteria: Ambry Variant Classification Scheme 2023. Collection method: clinical testing. Allele origin: germline.
Comment: The p.D855A variant (also known as c.2564A>C), located in coding exon 16 of the RAD50 gene, results from an A to C substitution at nucleotide position 2564. The aspartic acid at codon 855 is replaced by alanine, an amino acid with dissimilar properties. This amino acid position is conserved. In addition, the in silico prediction for this alteration is inconclusive. Since supporting evidence is limited at this time, the clinical significance of this alteration remains unclear.

Labcorp Genetics (formerly Invitae), Labcorp
Classification: Uncertain significance for Hereditary cancer-predisposing syndrome. Last evaluated: 2023-05-04. Review status: criteria provided, single submitter. Criteria: Invitae Variant Classification Sherloc (09022015). Collection method: clinical testing. Allele origin: germline.
Comment: In summary, the available evidence is currently insufficient to determine the role of this variant in disease. Therefore, it has been classified as a Variant of Uncertain Significance. Advanced modeling of protein sequence and biophysical properties (such as structural, functional, and spatial information, amino acid conservation, physicochemical variation, residue mobility, and thermodynamic stability) has been performed at Invitae for this missense variant, however the output from this modeling did not meet the statistical confidence thresholds required to predict the impact of this variant on RAD50 protein function. ClinVar contains an entry for this variant (Variation ID: 1384052). This variant has not been reported in the literature in individuals affected with RAD50-related conditions. This variant is present in population databases (rs751531030, gnomAD 0.006%). This sequence change replaces aspartic acid, which is acidic and polar, with alanine, which is neutral and non-polar, at codon 855 of the RAD50 protein (p.Asp855Ala).